The following is an entry in ClinVar:

ClinVar aggregate classification (germline): Uncertain significance. Review status: criteria provided, multiple submitters, no conflicts (2 of 4 stars). 2 submissions from 2 submitters: Uncertain significance (2). Last evaluated 2025-04-13.

Conditions:
Inborn genetic diseases. Identifiers: MedGen C0950123, MeSH D030342.

Allele frequency attached by ClinVar (database versions not stated): gnomAD exomes below 0.00001; TOPMed below 0.00001; gnomAD 0.00001.
gnomAD v4.1: 2 of 1,613,784 alleles (0.00012%); highest among the groups gnomAD compares: African/African-American, 0.0013%; no homozygotes.

Submissions (2):

Ambry Genetics
Classification: Uncertain significance for Inborn genetic diseases. Last evaluated: 2025-04-13. Review status: criteria provided, single submitter. Criteria: Ambry Variant Classification Scheme 2023. Collection method: clinical testing. Allele origin: germline.

Labcorp Genetics (formerly Invitae), Labcorp
Classification: Uncertain significance. Last evaluated: 2024-12-02. Review status: criteria provided, single submitter. Criteria: Invitae Variant Classification Sherloc (09022015). Collection method: clinical testing. Allele origin: germline.
Comment: This sequence change replaces arginine, which is basic and polar, with glutamine, which is neutral and polar, at codon 634 of the DNM1L protein (p.Arg634Gln). This variant is not present in population databases (gnomAD no frequency). This variant has not been reported in the literature in individuals affected with DNM1L-related conditions. ClinVar contains an entry for this variant (Variation ID: 1476014). An algorithm developed to predict the effect of missense changes on protein structure and function (PolyPhen-2) suggests that this variant is likely to be disruptive. In summary, the available evidence is currently insufficient to determine the role of this variant in disease. Therefore, it has been classified as a Variant of Uncertain Significance.

NM_012062.5(DNM1L):c.1901G>A (p.Arg634Gln)

Gene: DNM1L (dynamin 1 like; plus strand). Cytogenetic location: 12p11.21.
Variant type: single nucleotide variant.
Coding change: c.1901G>A on transcript NM_012062.5 (MANE Select); coding-DNA position 1901, G replaced by A.
Protein change: p.Arg634Gln; replaces arginine 634 with glutamine.
Molecular consequence: missense variant.
Genome position (GRCh38, 1-based): chr12:32,740,425, G>A. VCF-style: chr12-32740425-G-A. GRCh37 (hg19) VCF-style: chr12-32893359-G-A.
Other names: c.1868G>A, p.Arg623Gln (NM_001278463.2); c.1940G>A, p.Arg647Gln (NM_001278464.2); c.1907G>A, p.Arg636Gln (NM_001278465.2); c.1292G>A, p.Arg431Gln (NM_001278466.2); c.1829G>A, p.Arg610Gln (NM_001330380.2); c.1790G>A, p.Arg597Gln (NM_005690.5); c.1823G>A, p.Arg608Gln (NM_012063.4); c.1901G>A (NM_012062.3); short protein forms R597Q, R610Q, R647Q, R431Q, R608Q, R623Q, R634Q, R636Q.
Identifiers: ClinVar variation 1476014 (VCV001476014.7), dbSNP rs1334083521, ClinGen allele CA384363864.